The following is an entry in ClinVar:

ClinVar aggregate classification (germline): Uncertain significance. Review status: criteria provided, multiple submitters, no conflicts (2 of 4 stars). 3 submissions from 3 submitters: Uncertain significance (3). Last evaluated 2025-05-03.

Conditions:
Myopathy, distal, 5 (MPD5). Also called: Adenylosuccinate synthetase-like 1-related distal myopathy. Identifiers: Orphanet 482601, MedGen C5567521, MONDO:0014877, OMIM 617030.
Inborn genetic diseases. Identifiers: MedGen C0950123, MeSH D030342.

Allele frequency attached by ClinVar (database versions not stated): gnomAD exomes 0.00001 and 0.00002; ExAC 0.00003; gnomAD 0.00006 and 0.00007; TOPMed 0.00009; ESP Exome Variant Server 0.00015; 1000 Genomes Project 30x 0.00031; 1000 Genomes Project 0.00040.

Submissions (3):

Ambry Genetics
Classification: Uncertain significance for Inborn genetic diseases. Last evaluated: 2025-05-03. Review status: criteria provided, single submitter. Criteria: Ambry Variant Classification Scheme 2023. Collection method: clinical testing. Allele origin: germline.

Labcorp Genetics (formerly Invitae), Labcorp
Classification: Uncertain significance. Last evaluated: 2024-11-18. Review status: criteria provided, single submitter. Criteria: Invitae Variant Classification Sherloc (09022015). Collection method: clinical testing. Allele origin: germline.
Comment: This sequence change replaces isoleucine, which is neutral and non-polar, with threonine, which is neutral and polar, at codon 271 of the ADSSL1 protein (p.Ile271Thr). This variant is present in population databases (rs141096426, gnomAD 0.03%). This variant has not been reported in the literature in individuals affected with ADSSL1-related conditions. ClinVar contains an entry for this variant (Variation ID: 1681956). An algorithm developed to predict the effect of missense changes on protein structure and function (PolyPhen-2) suggests that this variant is likely to be disruptive. In summary, the available evidence is currently insufficient to determine the role of this variant in disease. Therefore, it has been classified as a Variant of Uncertain Significance.

Revvity Omics, Revvity
Classification: Uncertain significance for Myopathy, distal, 5. Last evaluated: 2019-01-09. Review status: criteria provided, single submitter. Criteria: ACMG Guidelines, 2015. Collection method: clinical testing. Allele origin: germline.

NM_152328.5(ADSS1):c.683T>C (p.Ile228Thr)

Gene: ADSS1 (adenylosuccinate synthase 1; plus strand). Cytogenetic location: 14q32.33.
Variant type: single nucleotide variant.
Coding change: c.683T>C on transcript NM_152328.5 (MANE Select); coding-DNA position 683, T replaced by C.
Protein change: p.Ile228Thr; replaces isoleucine 228 with threonine.
Molecular consequence: missense variant.
Genome position (GRCh38, 1-based): chr14:104,741,133, T>C. VCF-style: chr14-104741133-T-C. GRCh37 (hg19) VCF-style: chr14-105207470-T-C.
Other names: c.812T>C (NM_199165.1); c.68T>C, p.Ile23Thr (NM_001320424.1); c.812T>C, p.Ile271Thr (NM_199165.2); short protein forms I228T, I23T, I271T.
Identifiers: ClinVar variation 1681956 (VCV001681956.8), dbSNP rs141096426, ClinGen allele CA7373811.